The following is an entry in ClinVar:

ClinVar aggregate classification (germline): Uncertain significance. Review status: criteria provided, multiple submitters, no conflicts (2 of 4 stars). 2 submissions from 2 submitters: Uncertain significance (2). Last evaluated 2025-03-06.

Conditions:
Alagille syndrome due to a JAG1 point mutation. Also called: JAG1-Related Alagille Syndrome; Alagille Syndrome 1; HEPATIC DUCTULAR HYPOPLASIA, SYNDROMATIC. Identifiers: Orphanet 261619, Orphanet 52, MedGen C1956125, MONDO:0016862, OMIM 118450.

Submissions (3):

GeneDx
Classification: Uncertain significance. Last evaluated: 2025-03-06. Review status: criteria provided, single submitter. Criteria: GeneDx Variant Classification Process June 2021. Collection method: clinical testing. Allele origin: germline. Affected: yes.
Comment: Not observed at significant frequency in large population cohorts (gnomAD); In silico analysis supports that this missense variant has a deleterious effect on protein structure/function; Has not been previously published as pathogenic or benign to our knowledge

Labcorp Genetics (formerly Invitae), Labcorp
Classification: Uncertain significance for Alagille syndrome due to a JAG1 point mutation. Last evaluated: 2021-11-14. Review status: criteria provided, single submitter. Criteria: Invitae Variant Classification Sherloc (09022015). Collection method: clinical testing. Allele origin: germline.
Comment: This sequence change replaces aspartic acid, which is acidic and polar, with glutamic acid, which is acidic and polar, at codon 294 of the JAG1 protein (p.Asp294Glu). This variant is not present in population databases (gnomAD no frequency). This variant has not been reported in the literature in individuals affected with JAG1-related conditions. Advanced modeling of protein sequence and biophysical properties (such as structural, functional, and spatial information, amino acid conservation, physicochemical variation, residue mobility, and thermodynamic stability) performed at Invitae indicates that this missense variant is not expected to disrupt JAG1 protein function. In summary, the available evidence is currently insufficient to determine the role of this variant in disease. Therefore, it has been classified as a Variant of Uncertain Significance.

Gilbert/Spinner Lab, Children's Hospital of Philadelphia
No classification provided (evidence only). Condition: Alagille syndrome. Review status: no classification provided. Collection method: research. Allele origin: not applicable. Functional consequence: functionally_abnormal. Not counted in ClinVar's aggregate classification.
ClinVar note: "not provided" was previously submitted as the classification for the variant. However, the classification appeared to be based only on an observation of functional data so it was converted to no classification on 2025-07-30.

NM_000214.3(JAG1):c.882C>A (p.Asp294Glu)

Gene: JAG1 (jagged canonical Notch ligand 1; minus strand). Cytogenetic location: 20p12.2.
Variant type: single nucleotide variant.
Coding change: c.882C>A on transcript NM_000214.3 (MANE Select); coding-DNA position 882, C replaced by A.
Protein change: p.Asp294Glu; replaces aspartic acid 294 with glutamic acid.
Molecular consequence: missense variant.
Genome position (GRCh38, 1-based): chr20:10,652,472, G>T on the plus strand (C>A on the coding strand, the complement: JAG1 is on the minus strand). VCF-style: chr20-10652472-G-T. GRCh37 (hg19) VCF-style: chr20-10633120-G-T.
Other names: c.882C>A (NM_000214.2); short protein forms D294E.
Identifiers: ClinVar variation 1380521 (VCV001380521.9), dbSNP rs2122614970, ClinGen allele CA408239199.
Genomic context (GRCh38, chr20:10,652,472, plus strand): 5'-ATTAGTGCCATCCCACCCCCAGATCCCACCCTGGGTCTCATCCCTAAGGGCCATACCTTT[G>T]TCACAGAGCTGGCCGCCCCAGTTGGTCTCACAGAGGCACTGCCAGGGCTCATTACAGATG-3'
Protein context (NP_000205.1, residues 284-304): CETNWGGQLC[Asp294Glu]KDLNYCGTHQ